The following is an entry in ClinVar:

ClinVar aggregate classification (germline): Pathogenic (1 of 4 stars; one submission).

Submission:

Labcorp Genetics (formerly Invitae), Labcorp
Classification: Pathogenic. Last evaluated: 2022-08-13. Review status: criteria provided, single submitter. Criteria: Invitae Variant Classification Sherloc (09022015). Collection method: clinical testing. Allele origin: germline.
Comment: For these reasons, this variant has been classified as Pathogenic. This variant has not been reported in the literature in individuals affected with USH2A-related conditions. This variant is a gross deletion of the genomic region encompassing exon(s) 6-9 of the USH2A gene. This deletion is out-of-frame, and is expected to create a premature termination codon and result in an absent or disrupted protein product. Loss-of-function variants in USH2A are known to be pathogenic (PMID: 10729113, 10909849, 20507924, 25649381).

Literature cited by the submitters: PubMed 10729113; PubMed 10909849; PubMed 20507924; PubMed 25649381.

NC_000001.10:g.(?_216495215)_(216498951_?)del

Gene: USH2A (usherin; minus strand). Cytogenetic location: 1q41.
Variant type: Deletion.
Identifiers: ClinVar variation 1454735 (VCV001454735.5).